The following is an entry in ClinVar:

NM_001144967.3(NEDD4L):c.1187A>G (p.Asp396Gly)

Gene: NEDD4L (NEDD4 like E3 ubiquitin protein ligase; plus strand). Cytogenetic location: 18q21.31.
Variant type: single nucleotide variant.
Coding change: c.1187A>G on transcript NM_001144967.3 (MANE Select); coding-DNA position 1187, A replaced by G.
Protein change: p.Asp396Gly; replaces aspartic acid 396 with glycine.
Molecular consequence: missense variant. On other transcripts: intron variant (1).
Genome position (GRCh38, 1-based): chr18:58,341,099, A>G. VCF-style: chr18-58341099-A-G. GRCh37 (hg19) VCF-style: chr18-56008331-A-G.
Other names: c.824A>G, p.Asp275Gly (NM_001144964.1, NM_001144965.2, NM_001144966.3); c.1163A>G, p.Asp388Gly (NM_001144968.2); c.1103A>G, p.Asp368Gly (NM_001144969.2); c.764A>G, p.Asp255Gly (NM_001144970.3, NM_001144971.2); c.1127A>G, p.Asp376Gly (NM_015277.6); c.1066-579A>G (NM_001243960.2); short protein forms D376G, D255G, D388G, D275G, D368G, D396G.
Identifiers: ClinVar variation 3708462 (VCV003708462.2).
Genomic context (GRCh38, chr18:58,341,099, plus strand): 5'-CATCAGTGGCCTATGTACATACCACGCCGGGTCTGCCTTCAGGCTGGGAAGAAAGAAAAG[A>G]TGCTAAGGGGCGCACATACTATGTCAATCATAACAATCGAACCACAACTTGGACTCGACC-3'
Protein context (NP_001138439.1, residues 386-406): GLPSGWEERK[Asp396Gly]AKGRTYYVNH

ClinVar aggregate classification (germline): Uncertain significance (1 of 4 stars; one submission).

Submission:

Labcorp Genetics (formerly Invitae), Labcorp
Classification: Uncertain significance. Last evaluated: 2024-09-17. Review status: criteria provided, single submitter. Criteria: Invitae Variant Classification Sherloc (09022015). Collection method: clinical testing. Allele origin: germline.
Comment: This sequence change replaces aspartic acid, which is acidic and polar, with glycine, which is neutral and non-polar, at codon 376 of the NEDD4L protein (p.Asp376Gly). This variant is not present in population databases (gnomAD no frequency). This variant has not been reported in the literature in individuals affected with NEDD4L-related conditions. Invitae Evidence Modeling of protein sequence and biophysical properties (such as structural, functional, and spatial information, amino acid conservation, physicochemical variation, residue mobility, and thermodynamic stability) indicates that this missense variant is not expected to disrupt NEDD4L protein function with a negative predictive value of 80%. In summary, the available evidence is currently insufficient to determine the role of this variant in disease. Therefore, it has been classified as a Variant of Uncertain Significance.